The following is an entry in ClinVar:

ClinVar aggregate classification (germline): Uncertain significance (1 of 4 stars; one submission).

Submission:

Labcorp Genetics (formerly Invitae), Labcorp
Classification: Uncertain significance. Last evaluated: 2022-01-17. Review status: criteria provided, single submitter. Criteria: Invitae Variant Classification Sherloc (09022015). Collection method: clinical testing. Allele origin: germline.
Comment: This variant has not been reported in the literature in individuals affected with USH2A-related conditions. Algorithms developed to predict the effect of missense changes on protein structure and function (SIFT, PolyPhen-2, Align-GVGD) all suggest that this variant is likely to be disruptive. Algorithms developed to predict the effect of sequence changes on RNA splicing suggest that this variant may create or strengthen a splice site. In summary, the available evidence is currently insufficient to determine the role of this variant in disease. Therefore, it has been classified as a Variant of Uncertain Significance. This variant is not present in population databases (gnomAD no frequency). This sequence change replaces tyrosine, which is neutral and polar, with aspartic acid, which is acidic and polar, at codon 1927 of the USH2A protein (p.Tyr1927Asp).

NM_206933.4(USH2A):c.5779T>G (p.Tyr1927Asp)

Genes: USH2A (usherin; minus strand), USH2A-AS2 (USH2A antisense RNA 2; plus strand). Cytogenetic location: 1q41.
Variant type: single nucleotide variant.
Coding change: c.5779T>G on transcript NM_206933.4 (MANE Select); coding-DNA position 5779, T replaced by G.
Protein change: p.Tyr1927Asp; replaces tyrosine 1927 with aspartic acid.
Molecular consequence: missense variant.
Genome position (GRCh38, 1-based): chr1:216,072,967, A>C on the plus strand (T>G on the coding strand, the complement: USH2A is on the minus strand). VCF-style: chr1-216072967-A-C. GRCh37 (hg19) VCF-style: chr1-216246309-A-C.
Other names: short protein forms Y1927D.
Identifiers: ClinVar variation 2086890 (VCV002086890.4), dbSNP rs2527777073, ClinGen allele CA344853930.